The following is an entry in ClinVar:

NM_001364905.1(LRBA):c.7819A>G (p.Lys2607Glu)

Gene: LRBA (LPS responsive beige-like anchor protein; minus strand). Cytogenetic location: 4q31.3.
Variant type: single nucleotide variant.
Coding change: c.7819A>G on transcript NM_001364905.1 (MANE Select); coding-DNA position 7819, A replaced by G.
Protein change: p.Lys2607Glu; replaces lysine 2607 with glutamic acid.
Molecular consequence: missense variant.
Genome position (GRCh38, 1-based): chr4:150,310,259, T>C on the plus strand (A>G on the coding strand, the complement: LRBA is on the minus strand). VCF-style: chr4-150310259-T-C. GRCh37 (hg19) VCF-style: chr4-151231411-T-C.
Other names: c.7834A>G, p.Lys2612Glu (NM_001367550.1); c.7852A>G, p.Lys2618Glu (NM_006726.5); c.7819A>G, p.Lys2607Glu (NM_001199282.3); short protein forms K2607E, K2612E, K2618E.
Identifiers: ClinVar variation 3389781 (VCV003389781.14).

ClinVar aggregate classification (germline): Uncertain significance (1 of 4 stars; one submission).

gnomAD v4.1: 1 of 1,612,620 alleles (0.000062%); highest among the groups gnomAD compares: African/African-American, 0.0013%; no homozygotes.

Submission:

CeGaT Center for Human Genetics Tuebingen
Classification: Uncertain significance. Last evaluated: 2024-09-01. Review status: criteria provided, single submitter. Criteria: CeGaT Center For Human Genetics Tuebingen Variant Classification Criteria Version 2. Collection method: clinical testing. Allele origin: germline. Affected: yes. Observed: 1 variant allele.
Comment: LRBA: PM2